The following is an entry in ClinVar:

ClinVar aggregate classification (germline): Conflicting classifications of pathogenicity. Review status: criteria provided, conflicting classifications (1 of 4 stars). 2 submissions from 2 submitters: Uncertain significance (1); Likely benign (1). Last evaluated 2025-03-23.

Conditions:
Catecholaminergic polymorphic ventricular tachycardia 1. Also called: RYR2-Related Catecholaminergic Polymorphic Ventricular Tachycardia; VENTRICULAR TACHYCARDIA, CATECHOLAMINERGIC POLYMORPHIC, 1, WITH OR WITHOUT ATRIAL DYSFUNCTION AND/OR DILATED CARDIOMYOPATHY; VENTRICULAR TACHYCARDIA, STRESS-INDUCED POLYMORPHIC 1. Identifiers: Orphanet 3286, MedGen C1631597, MONDO:0011484, OMIM 604772.

Submissions (2):

Labcorp Genetics (formerly Invitae), Labcorp
Classification: Likely benign for Catecholaminergic polymorphic ventricular tachycardia 1. Last evaluated: 2025-03-23. Review status: criteria provided, single submitter. Criteria: Invitae Variant Classification Sherloc (09022015). Collection method: clinical testing. Allele origin: germline.

GeneDx
Classification: Uncertain significance. Last evaluated: 2014-07-28. Review status: criteria provided, single submitter. Criteria: GeneDx Variant Classification (06012015). Collection method: clinical testing. Allele origin: germline. Affected: yes.
Comment: The c.7155 G>T variant in the RYR2 gene, which does not alter the amino acid sequence, has not been published as a mutation or as a benign polymorphism to our knowledge. The c.7155 G>T variant was not observed in any significant frequency in approximately 6,300 individuals of European and African American ancestry in the NHLBI Exome Sequencing Project, indicating it is not a common benign variant in these populations. The c.7155 G>T variant is predicted to create a cryptic splice donor site, which may lead to abnormal gene splicing. However, the majority of disease-causing mutations in the RYR2 gene are missense changes. In the absence of functional mRNA studies, the physiological consequence of this variant cannot be precisely determined. Therefore, based on the currently available information, it is unclear whether this variant is a pathogenic mutation or a rare benign variant. The variant is found in ARRHYTHMIA panel(s).

NM_001035.3(RYR2):c.7155G>T (p.Gly2385=)

Gene: RYR2 (ryanodine receptor 2; plus strand). Cytogenetic location: 1q43.
Variant type: single nucleotide variant.
Coding change: c.7155G>T on transcript NM_001035.3 (MANE Select); coding-DNA position 7155, G replaced by T.
Protein change: p.Gly2385=; no amino-acid change (glycine 2385 retained).
Molecular consequence: synonymous variant.
Genome position (GRCh38, 1-based): chr1:237,640,936, G>T. VCF-style: chr1-237640936-G-T. GRCh37 (hg19) VCF-style: chr1-237804236-G-T.
Other names: p.G2385G:GGG>GGT; c.7155G>T, p.Gly2385= (LRG_402t1).
Identifiers: ClinVar variation 201275 (VCV000201275.3), dbSNP rs794728752, ClinGen allele CA010555.